The following is an entry in ClinVar:

NM_005591.4(MRE11):c.773A>C (p.Gln258Pro)

Gene: MRE11 (MRE11 double strand break repair nuclease; minus strand). Cytogenetic location: 11q21.
Variant type: single nucleotide variant.
Coding change: c.773A>C on transcript NM_005591.4 (MANE Select); coding-DNA position 773, A replaced by C.
Protein change: p.Gln258Pro; replaces glutamine 258 with proline.
Molecular consequence: missense variant.
Genome position (GRCh38, 1-based): chr11:94,471,646, T>G on the plus strand (A>C on the coding strand, the complement: MRE11 is on the minus strand). VCF-style: chr11-94471646-T-G. GRCh37 (hg19) VCF-style: chr11-94204812-T-G.
Other names: c.773A>C, p.Gln258Pro (NM_001330347.2, NM_005590.4); short protein forms Q258P.
Identifiers: ClinVar variation 2560916 (VCV002560916.7), dbSNP rs761771002, ClinGen allele CA6235307.

ClinVar aggregate classification (germline): Uncertain significance. Review status: criteria provided, multiple submitters, no conflicts (2 of 4 stars). 2 submissions from 2 submitters: Uncertain significance (2). Last evaluated 2025-06-30.

Conditions:
Ataxia-telangiectasia-like disorder (ATLD). Identifiers: MedGen C1858391, MONDO:0011457.
Hereditary cancer-predisposing syndrome. Also called: Neoplastic Syndromes, Hereditary; Hereditary Cancer Syndrome; Hereditary neoplastic syndrome; Tumor predisposition. Identifiers: Orphanet 140162, MedGen C0027672, MeSH D009386, MONDO:0015356.

Allele frequency attached by ClinVar (database versions not stated): ExAC 0.00002.
gnomAD v4.1: 3 of 1,612,944 alleles (0.00019%); highest among the groups gnomAD compares: East Asian, 0.0067%; no homozygotes.

Submissions (2):

Ambry Genetics
Classification: Uncertain significance for Hereditary cancer-predisposing syndrome. Last evaluated: 2025-06-30. Review status: criteria provided, single submitter. Criteria: Ambry Variant Classification Scheme 2023. Collection method: clinical testing. Allele origin: germline.
Comment: The p.Q258P variant (also known as c.773A>C), located in coding exon 7 of the MRE11A gene, results from an A to C substitution at nucleotide position 773. The glutamine at codon 258 is replaced by proline, an amino acid with similar properties. This amino acid position is conserved. In addition, the in silico prediction for this alteration is inconclusive. Since supporting evidence is limited at this time, the clinical significance of this alteration remains unclear.

Labcorp Genetics (formerly Invitae), Labcorp
Classification: Uncertain significance for Ataxia-telangiectasia-like disorder. Last evaluated: 2024-10-15. Review status: criteria provided, single submitter. Criteria: Invitae Variant Classification Sherloc (09022015). Collection method: clinical testing. Allele origin: germline.
Comment: This sequence change replaces glutamine, which is neutral and polar, with proline, which is neutral and non-polar, at codon 258 of the MRE11 protein (p.Gln258Pro). This variant is present in population databases (rs761771002, gnomAD 0.03%). This variant has not been reported in the literature in individuals affected with MRE11-related conditions. ClinVar contains an entry for this variant (Variation ID: 2560916). An algorithm developed to predict the effect of missense changes on protein structure and function (PolyPhen-2) suggests that this variant is likely to be disruptive. In summary, the available evidence is currently insufficient to determine the role of this variant in disease. Therefore, it has been classified as a Variant of Uncertain Significance.